The following is an entry in ClinVar:

NM_001375524.1(TRRAP):c.257C>G (p.Ala86Gly)

Gene: TRRAP (transformation/transcription domain associated protein; plus strand). Cytogenetic location: 7q22.1.
Variant type: single nucleotide variant.
Coding change: c.257C>G on transcript NM_001375524.1 (MANE Select); coding-DNA position 257, C replaced by G.
Protein change: p.Ala86Gly; replaces alanine 86 with glycine.
Molecular consequence: missense variant.
Genome position (GRCh38, 1-based): chr7:98,890,441, C>G. VCF-style: chr7-98890441-C-G. GRCh37 (hg19) VCF-style: chr7-98488064-C-G.
Other names: c.257C>G, p.Ala86Gly (NM_001244580.2, NM_003496.4); short protein forms A86G.
Identifiers: ClinVar variation 4746002 (VCV004746002.1).

ClinVar aggregate classification (germline): Uncertain significance (1 of 4 stars; one submission).

Submission:

Labcorp Genetics (formerly Invitae), Labcorp
Classification: Uncertain significance. Last evaluated: 2025-08-20. Review status: criteria provided, single submitter. Criteria: Invitae Variant Classification Sherloc (09022015). Collection method: clinical testing. Allele origin: germline.
Comment: This sequence change replaces alanine, which is neutral and non-polar, with glycine, which is neutral and non-polar, at codon 86 of the TRRAP protein (p.Ala86Gly). This variant is not present in population databases (gnomAD no frequency). This variant has not been reported in the literature in individuals affected with TRRAP-related conditions. Invitae Evidence Modeling of protein sequence and biophysical properties (such as structural, functional, and spatial information, amino acid conservation, physicochemical variation, residue mobility, and thermodynamic stability) indicates that this missense variant is not expected to disrupt TRRAP protein function with a negative predictive value of 80%. In summary, the available evidence is currently insufficient to determine the role of this variant in disease. Therefore, it has been classified as a Variant of Uncertain Significance.